The following is an entry in ClinVar:

NM_032638.5(GATA2):c.418G>A (p.Val140Met)

Gene: GATA2 (GATA binding protein 2; minus strand). Cytogenetic location: 3q21.3.
Variant type: single nucleotide variant.
Coding change: c.418G>A on transcript NM_032638.5 (MANE Select); coding-DNA position 418, G replaced by A.
Protein change: p.Val140Met; replaces valine 140 with methionine.
Molecular consequence: missense variant.
Genome position (GRCh38, 1-based): chr3:128,486,180, C>T on the plus strand (G>A on the coding strand, the complement: GATA2 is on the minus strand). VCF-style: chr3-128486180-C-T. GRCh37 (hg19) VCF-style: chr3-128205023-C-T.
Other names: c.418G>A, p.Val140Met (NM_001145661.2, NM_001145662.1); short protein forms V140M.
Identifiers: ClinVar variation 2944453 (VCV002944453.3), dbSNP rs2472931589, ClinGen allele CA354406832.
Genomic context (GRCh38, chr3:128,486,180, plus strand): 5'-TGAGGGAGGCCACTGAGCTCCCGCTGCCTCCCCCGCTCCCACCCCCAGCCCCTGGGTACA[C>T]AGAGAGTGGGCCTCCAGGGCCTCCAGCAGCTGAGGGGTGCAGTGGCGTCTTGGAGAAGGG-3'
Protein context (NP_116027.2, residues 130-150): AAGGPGGPLS[Val140Met]YPGAGGGSGG

ClinVar aggregate classification (germline): Uncertain significance (1 of 4 stars; one submission).

Conditions:
Deafness-lymphedema-leukemia syndrome. Also called: Lymphedema, primary, with myelodysplasia; Emberger syndrome. Identifiers: Orphanet 3226, MedGen C3279664, MONDO:0013540, OMIM 614038.
Monocytopenia with susceptibility to infections. Also called: MONOCYTOPENIA AND MYCOBACTERIAL INFECTION SYNDROME; MONOCYTOPENIA WITH SUSCEPTIBILITY TO MYCOBACTERIAL, FUNGAL, AND PAPILLOMAVIRUS INFECTIONS AND MYELODYSPLASIA; COMBINED IMMUNODEFICIENCY WITH SUSCEPTIBILITY TO MYCOBACTERIAL, VIRAL, AND FUNGAL INFECTIONS; Dendritic cell, monocyte, B lymphocyte, and natural killer lymphocyte deficiency; IMMUNODEFICIENCY 21; GATA2 DEFICIENCY. Identifiers: Orphanet 228423, MedGen C3280030, MONDO:0013607, OMIM 614172.

Submission:

Labcorp Genetics (formerly Invitae), Labcorp
Classification: Uncertain significance for Monocytopenia with susceptibility to infections; Deafness-lymphedema-leukemia syndrome. Last evaluated: 2023-02-18. Review status: criteria provided, single submitter. Criteria: Invitae Variant Classification Sherloc (09022015). Collection method: clinical testing. Allele origin: germline.
Comment: In summary, the available evidence is currently insufficient to determine the role of this variant in disease. Therefore, it has been classified as a Variant of Uncertain Significance. Advanced modeling of protein sequence and biophysical properties (such as structural, functional, and spatial information, amino acid conservation, physicochemical variation, residue mobility, and thermodynamic stability) has been performed at Invitae for this missense variant, however the output from this modeling did not meet the statistical confidence thresholds required to predict the impact of this variant on GATA2 protein function. This variant has not been reported in the literature in individuals affected with GATA2-related conditions. This variant is not present in population databases (gnomAD no frequency). This sequence change replaces valine, which is neutral and non-polar, with methionine, which is neutral and non-polar, at codon 140 of the GATA2 protein (p.Val140Met).